The following is an entry in ClinVar:

NM_004385.5(VCAN):c.5234A>G (p.Gln1745Arg)

Genes: VCAN-AS1 (VCAN antisense RNA 1; minus strand), VCAN (versican; plus strand). Cytogenetic location: 5q14.3.
Variant type: single nucleotide variant.
Coding change: c.5234A>G on transcript NM_004385.5 (MANE Select); coding-DNA position 5234, A replaced by G.
Protein change: p.Gln1745Arg; replaces glutamine 1745 with arginine.
Molecular consequence: missense variant. On other transcripts: intron variant (2).
Genome position (GRCh38, 1-based): chr5:83,538,237, A>G. VCF-style: chr5-83538237-A-G. GRCh37 (hg19) VCF-style: chr5-82834056-A-G.
Other names: c.5234A>G (NM_004385.4); c.2273A>G, p.Gln758Arg (NM_001164097.2); c.4004-7300A>G (NM_001164098.2); c.1043-7300A>G (NM_001126336.3); short protein forms Q758R, Q1745R.
Identifiers: ClinVar variation 2004628 (VCV002004628.6), dbSNP rs1408458998, ClinGen allele CA360309964.

ClinVar aggregate classification (germline): Uncertain significance. Review status: criteria provided, multiple submitters, no conflicts (2 of 4 stars). 2 submissions from 2 submitters: Uncertain significance (2). Last evaluated 2024-09-14.

Conditions:
Inborn genetic diseases. Identifiers: MedGen C0950123, MeSH D030342.

Allele frequency attached by ClinVar (database versions not stated): TOPMed 0.00001; gnomAD 0.00002; gnomAD exomes 0.00004.
gnomAD v4.1: 55 of 1,613,856 alleles (0.0034%); highest among the groups gnomAD compares: Non-Finnish European, 0.0044%; no homozygotes.

Submissions (2):

Labcorp Genetics (formerly Invitae), Labcorp
Classification: Uncertain significance. Last evaluated: 2024-09-14. Review status: criteria provided, single submitter. Criteria: Invitae Variant Classification Sherloc (09022015). Collection method: clinical testing. Allele origin: germline.
Comment: This sequence change replaces glutamine, which is neutral and polar, with arginine, which is basic and polar, at codon 1745 of the VCAN protein (p.Gln1745Arg). This variant is present in population databases (no rsID available, gnomAD 0.004%). This variant has not been reported in the literature in individuals affected with VCAN-related conditions. ClinVar contains an entry for this variant (Variation ID: 2004628). An algorithm developed to predict the effect of missense changes on protein structure and function outputs the following: PolyPhen-2: "Benign". The arginine amino acid residue is found in multiple mammalian species, which suggests that this missense change does not adversely affect protein function. In summary, the available evidence is currently insufficient to determine the role of this variant in disease. Therefore, it has been classified as a Variant of Uncertain Significance.

Ambry Genetics
Classification: Uncertain significance for Inborn genetic diseases. Last evaluated: 2023-05-08. Review status: criteria provided, single submitter. Criteria: Ambry Variant Classification Scheme 2023. Collection method: clinical testing. Allele origin: germline.